The following is an entry in ClinVar:

NM_017636.4(TRPM4):c.1321G>A (p.Val441Met)

Gene: TRPM4 (transient receptor potential cation channel subfamily M member 4; plus strand). Cytogenetic location: 19q13.33.
Variant type: single nucleotide variant.
Coding change: c.1321G>A on transcript NM_017636.4 (MANE Select); coding-DNA position 1321, G replaced by A.
Protein change: p.Val441Met; replaces valine 441 with methionine.
Molecular consequence: missense variant. On other transcripts: 5 prime UTR variant (1).
Genome position (GRCh38, 1-based): chr19:49,182,635, G>A. VCF-style: chr19-49182635-G-A. GRCh37 (hg19) VCF-style: chr19-49685892-G-A.
Other names: c.1321G>A, p.Val441Met (NM_001195227.2); c.976G>A, p.Val326Met (NM_001321281.2); c.-233G>A (NM_001321282.2); c.799G>A, p.Val267Met (NM_001321283.2); c.259G>A, p.Val87Met (NM_001321285.2); short protein forms V441M, V267M, V87M, V326M.
Identifiers: ClinVar variation 155843 (VCV000155843.4), dbSNP rs587782982, ClinGen allele CA345889.

ClinVar aggregate classification (germline): Uncertain significance (1 of 4 stars; one submission).

Conditions:
Progressive familial heart block type IB (PFHB1B). Identifiers: Orphanet 871, MedGen C1970298, MONDO:0011474, OMIM 604559.

Allele frequency attached by ClinVar (database versions not stated): TOPMed 0.00001; gnomAD 0.00002; gnomAD exomes 0.00004; ExAC 0.00005.
gnomAD v4.1: 66 of 1,614,000 alleles (0.0041%); highest among the groups gnomAD compares: Non-Finnish European, 0.0053%; no homozygotes.

Submission:

Labcorp Genetics (formerly Invitae), Labcorp
Classification: Uncertain significance for Progressive familial heart block type IB. Last evaluated: 2025-11-12. Review status: criteria provided, single submitter. Criteria: Invitae Variant Classification Sherloc (09022015). Collection method: clinical testing. Allele origin: germline.
Comment: This sequence change replaces valine, which is neutral and non-polar, with methionine, which is neutral and non-polar, at codon 441 of the TRPM4 protein (p.Val441Met). This variant is present in population databases (rs587782982, gnomAD 0.008%). This missense change has been observed in individual(s) with TRPM4-related conditions (PMID: 28315637). ClinVar contains an entry for this variant (Variation ID: 155843). An algorithm developed to predict the effect of missense changes on protein structure and function (PolyPhen-2) suggests that this variant is likely to be disruptive. In summary, the available evidence is currently insufficient to determine the role of this variant in disease. Therefore, it has been classified as a Variant of Uncertain Significance.

Literature cited by the submitters: PubMed 28315637.